The following is an entry in ClinVar:

NM_000264.5(PTCH1):c.192G>C (p.Gln64His)

Gene: PTCH1 (patched 1; minus strand). Cytogenetic location: 9q22.32.
Variant type: single nucleotide variant.
Coding change: c.192G>C on transcript NM_000264.5 (MANE Select); coding-DNA position 192, G replaced by C.
Protein change: p.Gln64His; replaces glutamine 64 with histidine.
Molecular consequence: missense variant. On other transcripts: non-coding transcript variant (1), intron variant (3).
Genome position (GRCh38, 1-based): chr9:95,508,170, C>G on the plus strand (G>C on the coding strand, the complement: PTCH1 is on the minus strand). VCF-style: chr9-95508170-C-G. GRCh37 (hg19) VCF-style: chr9-98270452-C-G.
Other names: c.192G>C, p.Gln64His (NM_001354918.2); c.199-1571G>C (NM_001083603.3); c.4-1571G>C (NM_001083602.3, NM_001354919.2); short protein forms Q64H.
Identifiers: ClinVar variation 1444586 (VCV001444586.10), dbSNP rs1843885224, ClinGen allele CA374121257.

ClinVar aggregate classification (germline): Uncertain significance. Review status: criteria provided, multiple submitters, no conflicts (2 of 4 stars). 2 submissions from 2 submitters: Uncertain significance (2). Last evaluated 2025-12-08.

Conditions:
Gorlin syndrome. Also called: Basal cell nevus syndrome; Nevoid Basal Cell Carcinoma Syndrome. Identifiers: Orphanet 377, MedGen C0004779, MONDO:0007187.
Hereditary cancer-predisposing syndrome. Also called: Tumor predisposition; Hereditary neoplastic syndrome; Hereditary Cancer Syndrome; Neoplastic Syndromes, Hereditary. Identifiers: Orphanet 140162, MedGen C0027672, MeSH D009386, MONDO:0015356.

Submissions (2):

Labcorp Genetics (formerly Invitae), Labcorp
Classification: Uncertain significance for Gorlin syndrome. Last evaluated: 2025-12-08. Review status: criteria provided, single submitter. Criteria: Invitae Variant Classification Sherloc (09022015). Collection method: clinical testing. Allele origin: germline.
Comment: This sequence change replaces glutamine, which is neutral and polar, with histidine, which is basic and polar, at codon 64 of the PTCH1 protein (p.Gln64His). This variant is not present in population databases (gnomAD no frequency). This variant has not been reported in the literature in individuals affected with PTCH1-related conditions. ClinVar contains an entry for this variant (Variation ID: 1444586). Invitae Evidence Modeling of protein sequence and biophysical properties (such as structural, functional, and spatial information, amino acid conservation, physicochemical variation, residue mobility, and thermodynamic stability) has been performed for this missense variant. However, the output from this modeling did not meet the statistical confidence thresholds required to predict the impact of this variant on PTCH1 protein function. In summary, the available evidence is currently insufficient to determine the role of this variant in disease. Therefore, it has been classified as a Variant of Uncertain Significance.

Ambry Genetics
Classification: Uncertain significance for Hereditary cancer-predisposing syndrome. Last evaluated: 2021-07-12. Review status: criteria provided, single submitter. Criteria: Ambry Variant Classification Scheme 2023. Collection method: clinical testing. Allele origin: germline.
Comment: The p.Q64H variant (also known as c.192G>C), located in coding exon 1 of the PTCH1 gene, results from a G to C substitution at nucleotide position 192. The glutamine at codon 64 is replaced by histidine, an amino acid with highly similar properties. This amino acid position is highly conserved in available vertebrate species. In addition, the in silico prediction for this alteration is inconclusive. Since supporting evidence is limited at this time, the clinical significance of this alteration remains unclear.